The following is an entry in ClinVar:

NM_001040436.3(YARS2):c.236G>T (p.Gly79Val)

Gene: YARS2 (tyrosyl-tRNA synthetase 2; minus strand). Cytogenetic location: 12p11.21.
Variant type: single nucleotide variant.
Coding change: c.236G>T on transcript NM_001040436.3 (MANE Select); coding-DNA position 236, G replaced by T.
Protein change: p.Gly79Val; replaces glycine 79 with valine.
Molecular consequence: missense variant.
Genome position (GRCh38, 1-based): chr12:32,755,639, C>A on the plus strand (G>T on the coding strand, the complement: YARS2 is on the minus strand). VCF-style: chr12-32755639-C-A. GRCh37 (hg19) VCF-style: chr12-32908573-C-A.
Other names: short protein forms G79V.
Identifiers: ClinVar variation 215423 (VCV000215423.2), dbSNP rs863224271, ClinGen allele CA324467.

ClinVar aggregate classification (germline): Likely pathogenic (1 of 4 stars; one submission).

Allele frequency attached by ClinVar (database versions not stated): gnomAD exomes below 0.00001.
gnomAD v4.1: 1 of 1,614,220 alleles (0.000062%); highest among the groups gnomAD compares: Non-Finnish European, 0.000085%; no homozygotes.

Submission:

GeneDx
Classification: Likely pathogenic. Last evaluated: 2015-08-14. Review status: criteria provided, single submitter. Criteria: GeneDx Variant Classification (06012015). Collection method: clinical testing. Allele origin: germline. Affected: yes.
Comment: p.Gly79Val (GGC>GTC): c.236 G>T in exon 1 of the YARS2 gene (NM_001040436.2) The G79V variant has not been published as a mutation, nor has it been reported as a benign polymorphism to our knowledge. The NHLBI ESP Exome Variant Server reports G79V was not observed in approximately 6,500 samples from individuals of European and African American backgrounds, indicating it is not a common benign variant in these populations. G79V is a conservative amino acid substitutions; however, G79V occurs at positions in the YARS2 protein that are highly conserved. Additionally, multiple in-silico models predict that G79V is damaging to the YARS2 protein. Therefore, G79V is a strong candidate for a disease-causing mutation, however the possibility that it is a benign variant cannot be excluded. The variant is found in MITONUC-MITOP panel(s).